The following is an entry in ClinVar:

NM_001903.5(CTNNA1):c.2695G>A (p.Glu899Lys)

Gene: CTNNA1 (catenin alpha 1; plus strand). Cytogenetic location: 5q31.2.
Variant type: single nucleotide variant.
Coding change: c.2695G>A on transcript NM_001903.5 (MANE Select); coding-DNA position 2695, G replaced by A.
Protein change: p.Glu899Lys; replaces glutamic acid 899 with lysine.
Molecular consequence: missense variant. On other transcripts: 3 prime UTR variant (5).
Genome position (GRCh38, 1-based): chr5:138,934,063, G>A. VCF-style: chr5-138934063-G-A. GRCh37 (hg19) VCF-style: chr5-138269752-G-A.
Other names: c.*240G>A (NM_001290307.3, NM_001324002.1, NM_001324003.1 and 2 more transcripts); c.2386G>A, p.Glu796Lys (NM_001290309.3); c.2326G>A, p.Glu776Lys (NM_001290310.3); c.1585G>A, p.Glu529Lys (NM_001290312.1, NM_001323987.1, NM_001323988.1 and 12 more transcripts); c.2695G>A, p.Glu899Lys (NM_001323982.2, NM_001323983.1, NM_001323984.2); c.2668G>A, p.Glu890Lys (NM_001323985.2); c.2602G>A, p.Glu868Lys (NM_001323986.2); c.1450G>A, p.Glu484Lys (NM_001324001.1); and 3 more; short protein forms E776K, E868K, E529K, E890K, E498K, E899K, E416K, E448K.
Identifiers: ClinVar variation 842402 (VCV000842402.9), dbSNP rs764563953, ClinGen allele CA361135790.

ClinVar aggregate classification (germline): Uncertain significance (1 of 4 stars; one submission).

gnomAD v4.1: 1 of 1,613,094 alleles (0.000062%); highest among the groups gnomAD compares: East Asian, 0.0022%; no homozygotes.

Submission:

Labcorp Genetics (formerly Invitae), Labcorp
Classification: Uncertain significance. Last evaluated: 2024-08-29. Review status: criteria provided, single submitter. Criteria: Invitae Variant Classification Sherloc (09022015). Collection method: clinical testing. Allele origin: germline.
Comment: This sequence change replaces glutamic acid, which is acidic and polar, with lysine, which is basic and polar, at codon 899 of the CTNNA1 protein (p.Glu899Lys). This variant is not present in population databases (gnomAD no frequency). This variant has not been reported in the literature in individuals affected with CTNNA1-related conditions. ClinVar contains an entry for this variant (Variation ID: 842402). Invitae Evidence Modeling of protein sequence and biophysical properties (such as structural, functional, and spatial information, amino acid conservation, physicochemical variation, residue mobility, and thermodynamic stability) has been performed for this missense variant. However, the output from this modeling did not meet the statistical confidence thresholds required to predict the impact of this variant on CTNNA1 protein function. In summary, the available evidence is currently insufficient to determine the role of this variant in disease. Therefore, it has been classified as a Variant of Uncertain Significance.